The following is an entry in ClinVar:

ClinVar aggregate classification (germline): Conflicting classifications of pathogenicity. Review status: criteria provided, conflicting classifications (1 of 4 stars). 2 submissions from 2 submitters: Uncertain significance (1); Likely benign (1). Last evaluated 2025-12-25.

gnomAD v4.1: 33 of 1,613,462 alleles (0.002%); highest among the groups gnomAD compares: African/African-American, 0.0027%; no homozygotes.

Submissions (2):

Labcorp Genetics (formerly Invitae), Labcorp
Classification: Uncertain significance. Last evaluated: 2025-12-25. Review status: criteria provided, single submitter. Criteria: Invitae Variant Classification Sherloc (09022015). Collection method: clinical testing. Allele origin: germline.
Comment: This sequence change falls in intron 6 of the PAX3 gene. It does not directly change the encoded amino acid sequence of the PAX3 protein. It affects a nucleotide within the consensus splice site. This variant is not present in population databases (gnomAD no frequency). This variant has not been reported in the literature in individuals affected with PAX3-related conditions. Variants that disrupt the consensus splice site are a relatively common cause of aberrant splicing (PMID: 17576681, 9536098). Algorithms developed to predict the effect of sequence changes on RNA splicing suggest that this variant is not likely to affect RNA splicing. In summary, the available evidence is currently insufficient to determine the role of this variant in disease. Therefore, it has been classified as a Variant of Uncertain Significance.

Blueprint Genetics
Classification: Likely benign. Last evaluated: 2024-03-08. Review status: criteria provided, single submitter. Criteria: ACMG Guidelines, 2015. Collection method: clinical testing. Allele origin: germline.

Literature cited by the submitters: PubMed 17576681 (cited by Labcorp Genetics (formerly Invitae), Labcorp); PubMed 9536098 (cited by Labcorp Genetics (formerly Invitae), Labcorp).

NM_181458.4(PAX3):c.958+5C>T

Gene: PAX3 (paired box 3; minus strand). Cytogenetic location: 2q36.1.
Variant type: single nucleotide variant.
Coding change: c.958+5C>T on transcript NM_181458.4 (MANE Select); 5 bases into the intron after coding-DNA position 958, C replaced by T.
Molecular consequence: intron variant.
Genome position (GRCh38, 1-based): chr2:222,221,217, G>A on the plus strand (C>T on the coding strand, the complement: PAX3 is on the minus strand). VCF-style: chr2-222221217-G-A. GRCh37 (hg19) VCF-style: chr2-223085936-G-A.
Other names: c.955+5C>T (NM_001127366.3); c.958+5C>T (NM_181460.4, NM_181461.4, NM_181459.4 and 1 more transcripts).
Identifiers: ClinVar variation 4696756 (VCV004696756.2).
Genomic context (GRCh38, chr2:222,221,217, plus strand): 5'-TAAAATATCCACCAGAGAAATCGCCTGGAAGTTACTTTCTAATCTCCTTGACTCTTCCTC[G>A]GTACCTTGTGGAATAGATGTGGGCTGGTAAGAGGTCTCCGACAGCTGGTACGTTGGCAAG-3'